The following is an entry in ClinVar:

NM_182758.4(WDR72):c.2676_2677del (p.Cys892_Asp893delinsTer)

Gene: WDR72 (WD repeat domain 72; minus strand). Cytogenetic location: 15q21.3.
Variant type: Microsatellite.
Coding change: c.2676_2677del on transcript NM_182758.4 (MANE Select); coding-DNA positions 2676 to 2677, 2 bases deleted (TG; older notation c.2676_2677delTG).
Protein change: p.Cys892_Asp893delinsTer.
Molecular consequence: nonsense. On other transcripts: non-coding transcript variant (1).
Genome position (GRCh38, 1-based): chr15:53,615,529-53,615,530, CA deleted on the plus strand (TG on the coding strand, the reverse complement: WDR72 is on the minus strand); deleting any 2 consecutive bases within chr15:53,615,529-53,615,532 gives the same sequence; the c. name uses the placement nearest the transcript's 3' end. VCF-style (leftmost placement, unchanged base first): chr15-53615528-TCA-T. GRCh37 (hg19) VCF-style: chr15-53907725-TCA-T.
Identifiers: ClinVar variation 5019037 (VCV005019037.2).

ClinVar aggregate classification (germline): Likely pathogenic (1 of 4 stars; one submission).

Conditions:
Amelogenesis imperfecta hypomaturation type 2A3. Also called: Amelogenesis imperfecta, type IIA3. Identifiers: Orphanet 88661, MedGen C2750771, MONDO:0013181, OMIM 613211. Disease mechanism: loss of function.

Submission:

Juno Genomics, Hangzhou Juno Genomics, Inc
Classification: Likely pathogenic for Amelogenesis imperfecta hypomaturation type 2A3. Review status: criteria provided, single submitter. Criteria: ACMG Guidelines, 2015. Collection method: clinical testing. Allele origin: germline.
Comment: Absent from controls (or at extremely low frequency if recessive) in Genome Aggregation Database.;Null variant in a gene where loss of function (LOF) is a known mechanism of disease.